The following is an entry in ClinVar:

ClinVar aggregate classification (germline): Pathogenic. Review status: criteria provided, multiple submitters, no conflicts (2 of 4 stars). 2 submissions from 2 submitters: Pathogenic (2). Last evaluated 2024-12-11.

Conditions:
Cerebral cavernous malformation (CCM). Also called: Cerebral cavernous hemangioma (type); CAVERNOUS ANGIOMA, FAMILIAL; CAVERNOUS ANGIOMATOUS MALFORMATIONS; CEREBRAL CAPILLARY MALFORMATIONS; Cerebral cavernous malformations; Cavernous Hemangioma of Brain. Identifiers: Orphanet 221061, MedGen C2919945, MONDO:0000820, OMIM 116860, HP:0033522.

Submissions (2):

GeneDx
Classification: Pathogenic. Last evaluated: 2024-12-11. Review status: criteria provided, single submitter. Criteria: GeneDx Variant Classification Process June 2021. Collection method: clinical testing. Allele origin: germline. Affected: yes.
Comment: Identified in patients with features consistent with KRIT1-related cerebral cavernous malformation referred for genetic testing at GeneDx and in published literature (PMID: 10508515); Nonsense variant predicted to result in protein truncation or nonsense mediated decay in a gene for which loss of function is a known mechanism of disease; Not observed at significant frequency in large population cohorts (gnomAD); Also known as 615G>A; This variant is associated with the following publications: (PMID: 25525159, 11222804, 12404106, 24689081, 10508515)

Labcorp Genetics (formerly Invitae), Labcorp
Classification: Pathogenic for Cerebral cavernous malformation. Last evaluated: 2021-01-08. Review status: criteria provided, single submitter. Criteria: Invitae Variant Classification Sherloc (09022015). Collection method: clinical testing. Allele origin: germline.
Comment: This variant is not present in population databases (ExAC no frequency). This sequence change creates a premature translational stop signal (p.Trp404*) in the KRIT1 gene. It is expected to result in an absent or disrupted protein product. Loss-of-function variants in KRIT1 are known to be pathogenic (PMID: 10508515, 11222804, 12404106, 24689081). This variant has been observed in individual(s) with cerebral cavernous malformations (PMID: 10508515). This variant is also known as 615G>A. For these reasons, this variant has been classified as Pathogenic.

Literature cited by the submitters: PubMed 10508515 (cited by Labcorp Genetics (formerly Invitae), Labcorp); PubMed 11222804 (cited by Labcorp Genetics (formerly Invitae), Labcorp); PubMed 12404106 (cited by Labcorp Genetics (formerly Invitae), Labcorp); PubMed 24689081 (cited by Labcorp Genetics (formerly Invitae), Labcorp).

NM_194454.3(KRIT1):c.1211G>A (p.Trp404Ter)

Gene: KRIT1 (KRIT1 ankyrin repeat containing; minus strand). Cytogenetic location: 7q21.2.
Variant type: single nucleotide variant.
Coding change: c.1211G>A on transcript NM_194454.3 (MANE Select); coding-DNA position 1211, G replaced by A.
Protein change: p.Trp404Ter; replaces tryptophan 404 with a stop codon.
Molecular consequence: nonsense.
Genome position (GRCh38, 1-based): chr7:92,225,763, C>T on the plus strand (G>A on the coding strand, the complement: KRIT1 is on the minus strand). VCF-style: chr7-92225763-C-T. GRCh37 (hg19) VCF-style: chr7-91855077-C-T.
Other names: c.1067G>A, p.Trp356Ter (NM_001013406.2, NM_001350669.1, NM_001350670.1); c.497G>A, p.Trp166Ter (NM_001350671.1); c.1211G>A, p.Trp404Ter (NM_001350672.1, NM_001350673.1, NM_001350674.1 and 26 more transcripts); short protein forms W404*, W356*, W166*.
Identifiers: ClinVar variation 1456994 (VCV001456994.9), dbSNP rs2131510675, ClinGen allele CA368150697.